The following is an entry in ClinVar:

ClinVar aggregate classification (germline): Uncertain significance (1 of 4 stars; one submission).

Conditions:
Developmental and epileptic encephalopathy. Identifiers: MedGen C5779964, MONDO:0100620.

Submission:

Labcorp Genetics (formerly Invitae), Labcorp
Classification: Uncertain significance for Early infantile epileptic encephalopathy with suppression bursts. Last evaluated: 2019-02-14. Review status: criteria provided, single submitter. Criteria: Invitae Variant Classification Sherloc (09022015). Collection method: clinical testing. Allele origin: germline.
Comment: This variant results in a copy number gain of the genomic region encompassing exons 1-7 of the HCN1 gene. The 5' end of this event is unknown as it extends beyond the assayed region for this gene and therefore may encompass additional genes. The 3' boundary is likely confined to intron 7 of the HCN1 gene. As the precise location of this event is unknown, it may be in tandem or it may be located elsewhere in the genome. This variant has not been reported in the literature in individuals with HCN1-related disease. In summary, the available evidence is currently insufficient to determine the role of this variant in disease. Therefore, it has been classified as a Variant of Uncertain Significance.

NC_000005.9:g.(?_45267171)_(45696215_?)dup

Genes: HCN1 (hyperpolarization activated cyclic nucleotide gated potassium channel 1; minus strand), LOC126807381 (MED14-independent group 3 enhancer GRCh37_chr5:45385335-45386534; plus strand). Cytogenetic location: 5p12.
Variant type: Duplication.
Identifiers: ClinVar variation 646963 (VCV000646963.3).